The following is an entry in ClinVar:

NM_004990.4(MARS1):c.1049C>T (p.Ser350Leu)

Gene: MARS1 (methionyl-tRNA synthetase 1; plus strand). Cytogenetic location: 12q13.3.
Variant type: single nucleotide variant.
Coding change: c.1049C>T on transcript NM_004990.4 (MANE Select); coding-DNA position 1049, C replaced by T.
Protein change: p.Ser350Leu; replaces serine 350 with leucine.
Molecular consequence: missense variant.
Genome position (GRCh38, 1-based): chr12:57,498,581, C>T. VCF-style: chr12-57498581-C-T. GRCh37 (hg19) VCF-style: chr12-57892364-C-T.
Other names: c.1049C>T (NM_004990.3); short protein forms S350L.
Identifiers: ClinVar variation 1681715 (VCV001681715.7), dbSNP rs147637407, ClinGen allele CA6650392.
Genomic context (GRCh38, chr12:57,498,581, plus strand): 5'-AGGAGATCTGCGACAAGTACCACATCATCCATGCTGACATCTACCGCTGGTTTAACATTT[C>T]GTTTGATATTTTTGGTCGCACCACCACTCCACAGCAGACCAAGTAAGTTTCCTCTAATGA-3'
Protein context (NP_004981.2, residues 340-360): HADIYRWFNI[Ser350Leu]FDIFGRTTTP

ClinVar aggregate classification (germline): Uncertain significance. Review status: criteria provided, multiple submitters, no conflicts (2 of 4 stars). 2 submissions from 2 submitters: Uncertain significance (2). Last evaluated 2024-11-29.

Conditions:
Severe early-onset pulmonary alveolar proteinosis due to MARS deficiency. Also called: PULMONARY ALVEOLAR PROTEINOSIS, REUNION ISLAND; Interstitial lung and liver disease. Identifiers: Orphanet 440427, MedGen C4225400, MONDO:0014206, OMIM 615486.
Charcot-Marie-Tooth disease axonal type 2U. Also called: CHARCOT-MARIE-TOOTH NEUROPATHY, TYPE 2U; CHARCOT-MARIE-TOOTH DISEASE, AXONAL, AUTOSOMAL DOMINANT, TYPE 2U. Identifiers: Orphanet 397735, MedGen C4084821, MONDO:0014566, OMIM 616280.

Allele frequency attached by ClinVar (database versions not stated): gnomAD exomes 0.00002; ExAC 0.00003; gnomAD 0.00008 and 0.00009; TOPMed 0.00008; ESP Exome Variant Server 0.00015.
gnomAD v4.1: 40 of 1,614,038 alleles (0.0025%); highest among the groups gnomAD compares: African/African-American, 0.035%; no homozygotes.

Submissions (2):

Ambry Genetics
Classification: Uncertain significance. Last evaluated: 2024-11-29. Review status: criteria provided, single submitter. Criteria: Ambry Variant Classification Scheme 2023. Collection method: clinical testing. Allele origin: germline.

Labcorp Genetics (formerly Invitae), Labcorp
Classification: Uncertain significance for Charcot-Marie-Tooth disease axonal type 2U; Severe early-onset pulmonary alveolar proteinosis due to MARS deficiency. Last evaluated: 2024-01-01. Review status: criteria provided, single submitter. Criteria: Invitae Variant Classification Sherloc (09022015). Collection method: clinical testing. Allele origin: germline.
Comment: This sequence change replaces serine, which is neutral and polar, with leucine, which is neutral and non-polar, at codon 350 of the MARS protein (p.Ser350Leu). This variant is present in population databases (rs147637407, gnomAD 0.01%). This variant has not been reported in the literature in individuals affected with MARS-related conditions. ClinVar contains an entry for this variant (Variation ID: 1681715). An algorithm developed to predict the effect of missense changes on protein structure and function (PolyPhen-2) suggests that this variant is likely to be disruptive. In summary, the available evidence is currently insufficient to determine the role of this variant in disease. Therefore, it has been classified as a Variant of Uncertain Significance.